The following is an entry in ClinVar:

ClinVar aggregate classification (germline): Benign/Likely benign. Review status: criteria provided, multiple submitters, no conflicts (2 of 4 stars). 4 submissions from 4 submitters: Benign (1); Likely benign (2). 1 of the submissions does not count toward it. Last evaluated 2026-01-26.

Conditions:
COACH syndrome 3. Identifiers: MedGen C5436841, MONDO:0030862, OMIM 619113.
Joubert syndrome 7 (JBTS7). Identifiers: Orphanet 220497, MedGen C1969053, MONDO:0012694, OMIM 611560.
Meckel syndrome, type 5 (MKS5). Identifiers: Orphanet 564, MedGen C1969052, MONDO:0012695, OMIM 611561.
RPGRIP1L-related disorder. Also called: RPGRIP1L-related condition; RPGRIP1L-related disorders. Identifiers: MedGen CN239416.
Joubert syndrome. Also called: JOUBERT-BOLTSHAUSER SYNDROME; Familial aplasia of the vermis. Identifiers: Orphanet 475, MedGen C5979921, MONDO:0018772.
Meckel-Gruber syndrome. Also called: DYSENCEPHALIA SPLANCHNOCYSTICA; GRUBER SYNDROME; Dysencephalia splachnocystica. Identifiers: Orphanet 564, MedGen C0265215, MONDO:0018921.

Allele frequency attached by ClinVar (database versions not stated): gnomAD exomes 0.00007 and 0.00012; TOPMed 0.00007; ESP Exome Variant Server 0.00008; ExAC 0.00010.
gnomAD v4.1: 111 of 1,612,942 alleles (0.0069%); highest among the groups gnomAD compares: South Asian, 0.0055%; no homozygotes.

Submissions (4):

Labcorp Genetics (formerly Invitae), Labcorp
Classification: Benign for Joubert syndrome; Meckel-Gruber syndrome. Last evaluated: 2026-01-26. Review status: criteria provided, single submitter. Criteria: Invitae Variant Classification Sherloc (09022015). Collection method: clinical testing. Allele origin: germline.

Blueprint Genetics
Classification: Likely benign. Last evaluated: 2024-09-24. Review status: criteria provided, single submitter. Criteria: ACMG Guidelines, 2015. Collection method: clinical testing. Allele origin: germline.

Fulgent Genetics
Classification: Likely benign for Joubert syndrome 7; Meckel syndrome, type 5; COACH syndrome 3. Last evaluated: 2022-03-01. Review status: criteria provided, single submitter. Criteria: ACMG Guidelines, 2015. Collection method: clinical testing. Allele origin: unknown.

PreventionGenetics, part of Exact Sciences
Classification: Likely benign for RPGRIP1L-related condition. Last evaluated: 2024-01-29. Review status: no assertion criteria provided. Collection method: clinical testing. Allele origin: germline. Not counted in ClinVar's aggregate classification.
Comment: This variant is classified as likely benign based on ACMG/AMP sequence variant interpretation guidelines (Richards et al. 2015 PMID: 25741868, with internal and published modifications).

NM_015272.5(RPGRIP1L):c.1719C>T (p.Ala573=)

Gene: RPGRIP1L (RPGRIP1 like; minus strand). Cytogenetic location: 16q12.2.
Variant type: single nucleotide variant.
Coding change: c.1719C>T on transcript NM_015272.5 (MANE Select); coding-DNA position 1719, C replaced by T.
Protein change: p.Ala573=; no amino-acid change (alanine 573 retained).
Molecular consequence: synonymous variant.
Genome position (GRCh38, 1-based): chr16:53,652,968, G>A on the plus strand (C>T on the coding strand, the complement: RPGRIP1L is on the minus strand). VCF-style: chr16-53652968-G-A. GRCh37 (hg19) VCF-style: chr16-53686880-G-A.
Other names: c.1719C>T, p.Ala573= (NM_001127897.4, NM_001308334.3, NM_001330538.2); c.1719C>T (NM_015272.4).
Identifiers: ClinVar variation 1168197 (VCV001168197.13), dbSNP rs375774377, ClinGen allele CA8057713.